The following is an entry in ClinVar:

NM_000218.3(KCNQ1):c.464C>T (p.Thr155Ile)

Gene: KCNQ1 (potassium voltage-gated channel subfamily Q member 1; plus strand). Cytogenetic location: 11p15.5.
Variant type: single nucleotide variant.
Coding change: c.464C>T on transcript NM_000218.3 (MANE Select); coding-DNA position 464, C replaced by T.
Protein change: p.Thr155Ile; replaces threonine 155 with isoleucine.
Molecular consequence: missense variant.
Genome position (GRCh38, 1-based): chr11:2,528,005, C>T. VCF-style: chr11-2528005-C-T. GRCh37 (hg19) VCF-style: chr11-2549235-C-T.
Other names: c.83C>T, p.Thr28Ile (NM_181798.2); c.464C>T, p.Thr155Ile (NM_001406836.1, NM_001406838.1); c.194C>T, p.Thr65Ile (NM_001406837.1); short protein forms T28I, T155I, T65I.
Identifiers: ClinVar variation 4614406 (VCV004614406.2).

ClinVar aggregate classification (germline): Uncertain significance. Review status: criteria provided, multiple submitters, no conflicts (2 of 4 stars). 2 submissions from 2 submitters: Uncertain significance (2). Last evaluated 2026-04-14.

Conditions:
Cardiovascular phenotype. Identifiers: MedGen CN230736.

gnomAD v4.1: 2 of 1,613,242 alleles (0.00012%); highest among the groups gnomAD compares: African/African-American, 0.0013%; no homozygotes.

Submissions (2):

GeneDx
Classification: Uncertain significance. Last evaluated: 2026-04-14. Review status: criteria provided, single submitter. Criteria: GeneDx Variant Classification Process June 2021. Collection method: clinical testing. Allele origin: germline.
Comment: Not observed at significant frequency in large population cohorts (gnomAD); In silico analysis supports that this missense variant has a deleterious effect on protein structure/function; Has not been previously published as pathogenic or benign to our knowledge

Ambry Genetics
Classification: Uncertain significance for Cardiovascular phenotype. Last evaluated: 2025-10-27. Review status: criteria provided, single submitter. Criteria: Ambry Variant Classification Scheme 2023. Collection method: clinical testing. Allele origin: germline.
Comment: The p.T155I variant (also known as c.464C>T), located in coding exon 2 of the KCNQ1 gene, results from a C to T substitution at nucleotide position 464. The threonine at codon 155 is replaced by isoleucine, an amino acid with similar properties. This amino acid position is well conserved in available vertebrate species. In addition, this alteration is predicted to be deleterious by in silico analysis. Based on the available evidence, the clinical significance of this variant remains unclear.